The following is an entry in ClinVar:

ClinVar aggregate classification (germline): Uncertain significance (1 of 4 stars; one submission).

Conditions:
Bardet-Biedl syndrome (BBS). Identifiers: Orphanet 110, MedGen C0752166, MONDO:0015229.

Allele frequency attached by ClinVar (database versions not stated): gnomAD 0.00001; TOPMed 0.00001.
gnomAD v4.1: 4 of 1,614,102 alleles (0.00025%); highest among the groups gnomAD compares: Non-Finnish European, 0.00034%; no homozygotes.

Submission:

Labcorp Genetics (formerly Invitae), Labcorp
Classification: Uncertain significance for Bardet-Biedl syndrome. Last evaluated: 2021-08-31. Review status: criteria provided, single submitter. Criteria: Invitae Variant Classification Sherloc (09022015). Collection method: clinical testing. Allele origin: germline.
Comment: This sequence change replaces valine with isoleucine at codon 433 of the BBS12 protein (p.Val433Ile). The valine residue is moderately conserved and there is a small physicochemical difference between valine and isoleucine. This variant is not present in population databases (ExAC no frequency). This variant has not been reported in the literature in individuals affected with BBS12-related conditions. Algorithms developed to predict the effect of missense changes on protein structure and function output the following: SIFT: "Tolerated"; PolyPhen-2: "Benign"; Align-GVGD: "Class C0". The isoleucine amino acid residue is found in multiple mammalian species, which suggests that this missense change does not adversely affect protein function. In summary, the available evidence is currently insufficient to determine the role of this variant in disease. Therefore, it has been classified as a Variant of Uncertain Significance.

NM_152618.3(BBS12):c.1297G>A (p.Val433Ile)

Gene: BBS12 (Bardet-Biedl syndrome 12; plus strand). Cytogenetic location: 4q27.
Variant type: single nucleotide variant.
Coding change: c.1297G>A on transcript NM_152618.3 (MANE Select); coding-DNA position 1297, G replaced by A.
Protein change: p.Val433Ile; replaces valine 433 with isoleucine.
Molecular consequence: missense variant.
Genome position (GRCh38, 1-based): chr4:122,743,189, G>A. VCF-style: chr4-122743189-G-A. GRCh37 (hg19) VCF-style: chr4-123664344-G-A.
Other names: c.1297G>A, p.Val433Ile (NM_001178007.2); short protein forms V433I.
Identifiers: ClinVar variation 964231 (VCV000964231.4), dbSNP rs538077275, ClinGen allele CA105249203.